The following is an entry in ClinVar:

NM_006393.3(NEBL):c.1003A>C (p.Ser335Arg)

Gene: NEBL (nebulette; minus strand). Cytogenetic location: 10p12.31.
Variant type: single nucleotide variant.
Coding change: c.1003A>C on transcript NM_006393.3 (MANE Select); coding-DNA position 1003, A replaced by C.
Protein change: p.Ser335Arg; replaces serine 335 with arginine.
Molecular consequence: missense variant. On other transcripts: intron variant (9).
Genome position (GRCh38, 1-based): chr10:20,852,550, T>G on the plus strand (A>C on the coding strand, the complement: NEBL is on the minus strand). VCF-style: chr10-20852550-T-G. GRCh37 (hg19) VCF-style: chr10-21141479-T-G.
Other names: c.250-39610A>C (NM_001377326.1, NM_001377327.1, NM_001377328.1); c.358-39610A>C (NM_213569.2, NM_001173484.2, NM_001377322.1); c.301-39610A>C (NM_001377324.1); c.292-39610A>C (NM_001377325.1); c.310-39610A>C (NM_001377323.1); short protein forms S335R.
Identifiers: ClinVar variation 524922 (VCV000524922.10), dbSNP rs771769135, ClinGen allele CA5433021.

ClinVar aggregate classification (germline): Uncertain significance. Review status: criteria provided, multiple submitters, no conflicts (2 of 4 stars). 2 submissions from 2 submitters: Uncertain significance (2). Last evaluated 2023-02-22.

Conditions:
Primary dilated cardiomyopathy (DCM). Also called: Dilated Cardiomyopathy. Identifiers: Orphanet 217604, MedGen C0007193, MeSH D002311, MONDO:0005021, HP:0001644. Inheritance: Various modes of inheritance.

Allele frequency attached by ClinVar (database versions not stated): gnomAD exomes below 0.00001 and 0.00001; TOPMed 0.00001; ExAC 0.00002.
gnomAD v4.1: 1 of 1,612,238 alleles (0.000062%); highest among the groups gnomAD compares: East Asian, 0.0022%; no homozygotes.

Submissions (2):

Ambry Genetics
Classification: Uncertain significance. Last evaluated: 2023-02-22. Review status: criteria provided, single submitter. Criteria: Ambry Variant Classification Scheme 2023. Collection method: clinical testing. Allele origin: germline.

Labcorp Genetics (formerly Invitae), Labcorp
Classification: Uncertain significance for Primary dilated cardiomyopathy. Last evaluated: 2017-09-08. Review status: criteria provided, single submitter. Criteria: Invitae Variant Classification Sherloc (09022015). Collection method: clinical testing. Allele origin: germline.
Comment: This sequence change replaces serine with arginine at codon 335 of the NEBL protein (p.Ser335Arg). The serine residue is highly conserved and there is a moderate physicochemical difference between serine and arginine. The frequency data for this variant in the population databases is considered unreliable, as metrics indicate poor data quality at this position in the ExAC database. This variant has not been reported in the literature in individuals with NEBL-related disease. Algorithms developed to predict the effect of missense changes on protein structure and function do not agree on the potential impact of this missense change (SIFT: "Deleterious"; PolyPhen-2: "Probably Damaging"; Align-GVGD: "Class C0"). In summary, the available evidence is currently insufficient to determine the role of this variant in disease. Therefore, it has been classified as a Variant of Uncertain Significance.